The following is an entry in ClinVar:

NM_004304.5(ALK):c.2816-2A>C

Gene: ALK (ALK receptor tyrosine kinase; minus strand). Cytogenetic location: 2p23.2.
Variant type: single nucleotide variant.
Coding change: c.2816-2A>C on transcript NM_004304.5 (MANE Select); the canonical splice acceptor site of the intron before coding-DNA position 2816, A replaced by C.
Molecular consequence: splice acceptor variant.
Genome position (GRCh38, 1-based): chr2:29,227,674, T>G on the plus strand (A>C on the coding strand, the complement: ALK is on the minus strand). VCF-style: chr2-29227674-T-G. GRCh37 (hg19) VCF-style: chr2-29450540-T-G.
Identifiers: ClinVar variation 854957 (VCV000854957.9), dbSNP rs1664047349, ClinGen allele CA346468991.

ClinVar aggregate classification (germline): Uncertain significance. Review status: criteria provided, multiple submitters, no conflicts (2 of 4 stars). 2 submissions from 2 submitters: Uncertain significance (2). Last evaluated 2026-01-08.

Conditions:
Neuroblastoma, susceptibility to, 3. Also called: ALK-Related Neuroblastic Tumor Susceptibility. Identifiers: Orphanet 635, MedGen C2751681, MONDO:0013083, OMIM 613014.
Hereditary cancer-predisposing syndrome. Also called: Hereditary Cancer Syndrome; Tumor predisposition; Neoplastic Syndromes, Hereditary; Hereditary neoplastic syndrome. Identifiers: Orphanet 140162, MedGen C0027672, MeSH D009386, MONDO:0015356.

Submissions (2):

Ambry Genetics
Classification: Uncertain significance for Hereditary cancer-predisposing syndrome. Last evaluated: 2026-01-08. Review status: criteria provided, single submitter. Criteria: Ambry Variant Classification Scheme 2023. Collection method: clinical testing. Allele origin: germline.
Comment: The c.2816-2A>C intronic variant results from an A to C substitution two nucleotides before coding exon 17 in the ALK gene. This nucleotide position is highly conserved in available vertebrate species. In silico splice site analysis predicts that this alteration will weaken the native splice acceptor site. Alterations that disrupt the canonical splice site are expected to cause aberrant splicing, resulting in an abnormal protein or a transcript that is subject to nonsense-mediated mRNA decay. However, loss of function has not been established as a mechanism of disease. Based on the available evidence, the clinical significance of this alteration remains unclear.

Labcorp Genetics (formerly Invitae), Labcorp
Classification: Uncertain significance for Neuroblastoma, susceptibility to, 3. Last evaluated: 2025-05-09. Review status: criteria provided, single submitter. Criteria: Invitae Variant Classification Sherloc (09022015). Collection method: clinical testing. Allele origin: germline.
Comment: This sequence change affects an acceptor splice site in intron 16 of the ALK gene. It is expected to disrupt RNA splicing. Variants that disrupt the donor or acceptor splice site typically lead to a loss of protein function (PMID: 16199547), however the current clinical and genetic evidence is not sufficient to establish whether loss-of-function variants in ALK cause disease. This variant is not present in population databases (gnomAD no frequency). This variant has not been reported in the literature in individuals affected with ALK-related conditions. ClinVar contains an entry for this variant (Variation ID: 854957). Algorithms developed to predict the effect of sequence changes on RNA splicing suggest that this variant may disrupt the consensus splice site. In summary, the available evidence is currently insufficient to determine the role of this variant in disease. Therefore, it has been classified as a Variant of Uncertain Significance.

Literature cited by the submitters: PubMed 16199547 (cited by Labcorp Genetics (formerly Invitae), Labcorp).